The following is an entry in ClinVar:

ClinVar aggregate classification (germline): Uncertain significance. Review status: criteria provided, multiple submitters, no conflicts (2 of 4 stars). 2 submissions from 2 submitters: Uncertain significance (2). Last evaluated 2025-08-21.

Submissions (2):

Labcorp Genetics (formerly Invitae), Labcorp
Classification: Uncertain significance. Last evaluated: 2025-08-21. Review status: criteria provided, single submitter. Criteria: Invitae Variant Classification Sherloc (09022015). Collection method: clinical testing. Allele origin: germline.
Comment: This sequence change replaces phenylalanine, which is neutral and non-polar, with isoleucine, which is neutral and non-polar, at codon 2664 of the CDH23 protein (p.Phe2664Ile). This variant is not present in population databases (gnomAD no frequency). This missense change has been observed in individual(s) with deafness (PMID: 35020051). ClinVar contains an entry for this variant (Variation ID: 1428888). Invitae Evidence Modeling of protein sequence and biophysical properties (such as structural, functional, and spatial information, amino acid conservation, physicochemical variation, residue mobility, and thermodynamic stability) has been performed for this missense variant. However, the output from this modeling did not meet the statistical confidence thresholds required to predict the impact of this variant on CDH23 protein function. In summary, the available evidence is currently insufficient to determine the role of this variant in disease. Therefore, it has been classified as a Variant of Uncertain Significance.

Women's Health and Genetics/Laboratory Corporation of America, LabCorp
Classification: Uncertain significance. Last evaluated: 2024-07-15. Review status: criteria provided, single submitter. Criteria: LabCorp Variant Classification Summary - May 2015. Collection method: clinical testing. Allele origin: germline.
Comment: Variant summary: CDH23 c.7990T>A (p.Phe2664Ile) results in a non-conservative amino acid change in the encoded protein sequence. Five of five in-silico tools predict a damaging effect of the variant on protein function. The variant was absent in 248024 control chromosomes (gnomAD). The available data on variant occurrences in the general population are insufficient to allow any conclusion about variant significance. c.7990T>A has been reported in the literature in an individual(s) affected with hearing loss without evidence of causality (Usami_2022). This report does not provide unequivocal conclusions about association of the variant with Usher Syndrome. To our knowledge, no experimental evidence demonstrating an impact on protein function has been reported. ClinVar contains an entry for this variant (Variation ID: 1428888). Based on the evidence outlined above, the variant was classified as uncertain significance.

Literature cited by the submitters: PubMed 35020051 (cited by Labcorp Genetics (formerly Invitae), Labcorp and Women's Health and Genetics/Laboratory Corporation of America, LabCorp).

NM_022124.6(CDH23):c.7990T>A (p.Phe2664Ile)

Genes: CDH23 (cadherin related 23; plus strand), LOC111982869 (Sharpr-MPRA regulatory region 2121; plus strand). Cytogenetic location: 10q22.1.
Variant type: single nucleotide variant.
Coding change: c.7990T>A on transcript NM_022124.6 (MANE Select); coding-DNA position 7990, T replaced by A.
Protein change: p.Phe2664Ile; replaces phenylalanine 2664 with isoleucine.
Molecular consequence: missense variant.
Genome position (GRCh38, 1-based): chr10:71,805,923, T>A. VCF-style: chr10-71805923-T-A. GRCh37 (hg19) VCF-style: chr10-73565680-T-A.
Other names: c.1270T>A, p.Phe424Ile (NM_001171933.1, NM_001171934.1); short protein forms F424I, F2664I.
Identifiers: ClinVar variation 1428888 (VCV001428888.9), dbSNP rs2132983791, ClinGen allele CA377162109.